The following is an entry in ClinVar:

NM_001379200.1(TBX1):c.1105C>T (p.His369Tyr)

Gene: TBX1 (T-box transcription factor 1; plus strand). Cytogenetic location: 22q11.21.
Variant type: single nucleotide variant.
Coding change: c.1105C>T on transcript NM_001379200.1 (MANE Select); coding-DNA position 1105, C replaced by T.
Protein change: p.His369Tyr; replaces histidine 369 with tyrosine.
Molecular consequence: missense variant. On other transcripts: intron variant (2).
Genome position (GRCh38, 1-based): chr22:19,766,457, C>T. VCF-style: chr22-19766457-C-T. GRCh37 (hg19) VCF-style: chr22-19753980-C-T.
Other names: c.1078C>T, p.His360Tyr (NM_080647.1); c.1009+455C>T (NM_005992.1, NM_080646.2); short protein forms H360Y, H369Y.
Identifiers: ClinVar variation 1000974 (VCV001000974.8), dbSNP rs1936848458, ClinGen allele CA410684125.

ClinVar aggregate classification (germline): Uncertain significance (1 of 4 stars; one submission).

Conditions:
DiGeorge syndrome. Also called: THIRD AND FOURTH PHARYNGEAL POUCH SYNDROME; Catch22. Identifiers: Orphanet 567, MedGen C0012236, MONDO:0008564, OMIM 188400.

Allele frequency attached by ClinVar (database versions not stated): gnomAD exomes below 0.00001.
gnomAD v4.1: 2 of 1,331,104 alleles (0.00015%); highest among the groups gnomAD compares: Non-Finnish European, 0.00019%; no homozygotes.

Submission:

Labcorp Genetics (formerly Invitae), Labcorp
Classification: Uncertain significance for DiGeorge syndrome. Last evaluated: 2020-06-16. Review status: criteria provided, single submitter. Criteria: Invitae Variant Classification Sherloc (09022015). Collection method: clinical testing. Allele origin: germline.
Comment: The frequency data for this variant in the population databases is considered unreliable, as metrics indicate insufficient coverage at this position in the ExAC database. In summary, the available evidence is currently insufficient to determine the role of this variant in disease. Therefore, it has been classified as a Variant of Uncertain Significance. Algorithms developed to predict the effect of missense changes on protein structure and function are either unavailable or do not agree on the potential impact of this missense change (SIFT: "Deleterious"; PolyPhen-2: "Benign"; Align-GVGD: "Class C0"). This variant has not been reported in the literature in individuals with TBX1-related conditions. This sequence change replaces histidine with tyrosine at codon 360 of the TBX1 protein (p.His360Tyr). The histidine residue is moderately conserved and there is a moderate physicochemical difference between histidine and tyrosine.